The following is an entry in ClinVar:

NM_000256.3(MYBPC3):c.1641_1642del (p.Tyr548fs)

Gene: MYBPC3 (myosin binding protein C3; minus strand). Cytogenetic location: 11p11.2.
Variant type: Microsatellite.
Coding change: c.1641_1642del on transcript NM_000256.3 (MANE Select); coding-DNA positions 1641 to 1642, 2 bases deleted (GT; older notation c.1641_1642delGT).
Protein change: p.Tyr548fs; shifts the reading frame from tyrosine 548.
Molecular consequence: frameshift variant.
Genome position (GRCh38, 1-based): chr11:47,342,139-47,342,140, AC deleted on the plus strand (GT on the coding strand, the reverse complement: MYBPC3 is on the minus strand); deleting any 2 consecutive bases within chr11:47,342,139-47,342,142 gives the same sequence; the c. name uses the placement nearest the transcript's 3' end. VCF-style (leftmost placement, unchanged base first): chr11-47342138-TAC-T. GRCh37 (hg19) VCF-style: chr11-47363689-TAC-T.
Other names: c.1641_1642delGT (NM_000256.3); short protein forms Y548fs.
Identifiers: ClinVar variation 92689 (VCV000092689.42), dbSNP rs398123279, ClinGen allele CA010839.

ClinVar aggregate classification (germline): Pathogenic. Review status: criteria provided, multiple submitters, no conflicts (2 of 4 stars). 7 submissions from 7 submitters: Pathogenic (6). 1 of the submissions does not count toward it. Last evaluated 2026-03-10.

Conditions:
Hypertrophic cardiomyopathy 4. Also called: Familial hypertrophic cardiomyopathy 4. Identifiers: MedGen C1861862, MONDO:0007268, OMIM 115197.
Hypertrophic cardiomyopathy. Also called: HYPERTROPHIC MYOCARDIOPATHY. Identifiers: Orphanet 217569, MedGen C0007194, MeSH D002312, MONDO:0005045, HP:0001639.
MYBPC3-related disorder. Also called: MYBPC3-related disorders; MYBPC3-related condition; MYBPC3-related disease.
Cardiovascular phenotype. Identifiers: MedGen CN230736.

Submissions (7):

Ambry Genetics
Classification: Pathogenic for Cardiovascular phenotype. Last evaluated: 2026-03-10. Review status: criteria provided, single submitter. Criteria: Ambry Variant Classification Scheme 2023. Collection method: clinical testing. Allele origin: germline.
Comment: The c.1641_1642delGT pathogenic mutation, located in coding exon 18 of the MYBPC3 gene, results from a deletion of two nucleotides at nucleotide positions 1641 to 1642, causing a translational frameshift with a predicted alternate stop codon (p.Y548Pfs*19). This variant was reported in individual(s) with features consistent with hypertrophic cardiomyopathy (Van Driest SL et al. J. Am. Coll. Cardiol., 2004 Nov;44:1903-10; Berge KE et al. Clin. Genet., 2014 Oct;86:355-60). This variant is considered to be rare based on population cohorts in the Genome Aggregation Database (gnomAD). This alteration is expected to result in loss of function by premature protein truncation or nonsense-mediated mRNA decay. As such, this alteration is interpreted as a disease-causing mutation.

Labcorp Genetics (formerly Invitae), Labcorp
Classification: Pathogenic for Hypertrophic cardiomyopathy. Last evaluated: 2025-05-30. Review status: criteria provided, single submitter. Criteria: Invitae Variant Classification Sherloc (09022015). Collection method: clinical testing. Allele origin: germline.
Comment: This sequence change creates a premature translational stop signal (p.Tyr548Profs*19) in the MYBPC3 gene. It is expected to result in an absent or disrupted protein product. Loss-of-function variants in MYBPC3 are known to be pathogenic (PMID: 19574547). This variant is not present in population databases (gnomAD no frequency). This premature translational stop signal has been observed in individuals with hypertrophic cardiomyopathy (PMID: 15519027, 24111713, 28971120). This variant is also known as E546 fs/19. ClinVar contains an entry for this variant (Variation ID: 92689). For these reasons, this variant has been classified as Pathogenic.

GeneDx
Classification: Pathogenic. Last evaluated: 2024-09-25. Review status: criteria provided, single submitter. Criteria: GeneDx Variant Classification Process June 2021. Collection method: clinical testing. Allele origin: germline. Affected: yes.
Comment: Identified in patients with cardiomyopathy referred for genetic testing at GeneDx and in published literature (PMID: 15519027, 24111713, 33673806); Not observed at significant frequency in large population cohorts (gnomAD); Frameshift variant predicted to result in protein truncation or nonsense mediated decay in a gene for which loss of function is a known mechanism of disease; This variant is associated with the following publications: (PMID: 33673806, 15519027, 24111713, 28971120, 29169752, 37937776, 37652022, 35653365)

Blueprint Genetics
Classification: Pathogenic for MYBPC3-related disorders. Last evaluated: 2023-12-22. Review status: criteria provided, single submitter. Criteria: ACMG Guidelines, 2015. Collection method: clinical testing. Allele origin: germline. Affected: yes. Observed: 2 variant alleles.

Laboratory for Molecular Medicine, Mass General Brigham Personalized Medicine
Classification: Pathogenic for Hypertrophic cardiomyopathy. Last evaluated: 2014-08-22. Review status: criteria provided, single submitter. Criteria: LMM Criteria. Collection method: clinical testing. Allele origin: germline. Inheritance: Autosomal dominant inheritance. Observed: 1 variant allele.
Comment: The Tyr548fs variant in MYBPC3 has previously been reported in at least 1 indivi dual with HCM and was absent from 400 control chromosomes (Driest 2004). Data fr om large population studies is insufficient to assess the frequency of this vari ant. This variant is predicted to cause a frameshift, which alters the protein?s amino acid sequence beginning at position 548 and leads to a premature terminat ion codon 19 amino acids downstream. This alteration is then predicted to lead t o a truncated or absent protein. Heterozygous loss of function of function of th e MYBPC3 gene is an established disease mechanism in HCM. In summary, this varia nt meets our criteria to be classified as pathogenic (rsonalizedmedicine/LMM) based upon the predicted impact of the variant.

Eurofins Ntd Llc (ga)
Classification: Pathogenic. Last evaluated: 2013-11-12. Review status: criteria provided, single submitter. Criteria: EGL Classification Definitions 2015. Collection method: clinical testing. Allele origin: germline. Observed: 1 variant allele, 1 heterozygote.

deCODE genetics, Amgen
Classification: Likely pathogenic for Hypertrophic cardiomyopathy 4. Last evaluated: 2023-07-21. Review status: no assertion criteria provided. Collection method: research. Allele origin: germline. Affected: yes. Observed: 2 variant alleles. Not counted in ClinVar's aggregate classification.
Comment: The variant NM_000256.3:c.1641_1642del (chr11:47342138) in MYBPC3 was detected in 2 heterozygotes out of 58K WGS Icelanders (MAF= 0,002%). This variant has been reported in ClinVar previously as pathogenic. Based on ACMG criteria (PVS1, PP5) this variant classifies as likely pathogenic.

Literature cited by the submitters: PubMed 15519027 (cited by 3 submitters); PubMed 24111713 (cited by Ambry Genetics and Labcorp Genetics (formerly Invitae), Labcorp); PubMed 28971120 (cited by Ambry Genetics and Labcorp Genetics (formerly Invitae), Labcorp); PubMed 19574547 (cited by Labcorp Genetics (formerly Invitae), Labcorp).